The following is an entry in ClinVar:

ClinVar aggregate classification (germline): Benign/Likely benign. Review status: criteria provided, multiple submitters, no conflicts (2 of 4 stars). 4 submissions from 4 submitters: Benign (1); Likely benign (3). Last evaluated 2025-11-22.

Conditions:
Channelopathy-associated congenital insensitivity to pain, autosomal recessive. Also called: Insensitivity to pain, channelopathy-associated; ASYMBOLIA FOR PAIN; CONGENITAL ANALGESIA, AUTOSOMAL RECESSIVE. Identifiers: Orphanet 88642, Orphanet 970, MedGen C1855739, MONDO:0009459, OMIM 243000.
Primary erythromelalgia. Also called: primary erythermalgia; SCN9A Erythromelalgia (SCN9A-EM). Identifiers: Orphanet 306577, Orphanet 90026, MedGen C0014805, MONDO:0007571, OMIM 133020.
Neuropathy, hereditary sensory and autonomic, type 2A (HSAN2A). Also called: HSAN IIA; ACROOSTEOLYSIS, GIACCAI TYPE; ACROOSTEOLYSIS, NEUROGENIC; WNK1-Related HSAN2 (HSAN2A); MORVAN DISEASE; NEUROPATHY, CONGENITAL SENSORY. Identifiers: Orphanet 970, MedGen C2752089, MONDO:0024309, OMIM 201300.
Paroxysmal extreme pain disorder (PEXPD). Also called: PAIN, SUBMANDIBULAR, OCULAR, AND RECTAL, WITH FLUSHING; RECTAL PAIN, FAMILIAL; SCN9A Paroxysmal Extreme Pain Disorder (SCN9A-PEPD). Identifiers: Orphanet 46348, MedGen C1833661, MONDO:0008179, OMIM 167400.
Generalized epilepsy with febrile seizures plus, type 7 (GEFSP7). Also called: GEFS+, TYPE 7. Identifiers: Orphanet 36387, MedGen C2751778, MONDO:0013470, OMIM 613863.

Allele frequency attached by ClinVar (database versions not stated): gnomAD 0.00001 and 0.00009; TOPMed 0.00002; 1000 Genomes Project 0.00020; 1000 Genomes Project 30x 0.00031.

Submissions (4):

Labcorp Genetics (formerly Invitae), Labcorp
Classification: Benign for Neuropathy, hereditary sensory and autonomic, type 2A; Generalized epilepsy with febrile seizures plus, type 7. Last evaluated: 2025-11-22. Review status: criteria provided, single submitter. Criteria: Invitae Variant Classification Sherloc (09022015). Collection method: clinical testing. Allele origin: germline.

CeGaT Center for Human Genetics Tuebingen
Classification: Likely benign. Last evaluated: 2025-10-01. Review status: criteria provided, single submitter. Criteria: CeGaT Center For Human Genetics Tuebingen Variant Classification Criteria Version 2. Collection method: clinical testing. Allele origin: germline. Affected: yes. Observed: 3 variant alleles.
Comment: SCN9A: BP4, BS2

Blueprint Genetics
Classification: Likely benign. Last evaluated: 2024-11-17. Review status: criteria provided, single submitter. Criteria: ACMG Guidelines, 2015. Collection method: clinical testing. Allele origin: germline.

Fulgent Genetics
Classification: Likely benign for Primary erythromelalgia; Paroxysmal extreme pain disorder; Neuropathy, hereditary sensory and autonomic, type 2A; Channelopathy-associated congenital insensitivity to pain, autosomal recessive. Last evaluated: 2021-07-19. Review status: criteria provided, single submitter. Criteria: ACMG Guidelines, 2015. Collection method: clinical testing. Allele origin: unknown.

NM_001365536.1(SCN9A):c.5245C>T (p.Leu1749=)

Genes: SCN9A (sodium voltage-gated channel alpha subunit 9; minus strand), SCN1A-AS1 (SCN1A and SCN9A antisense RNA 1; plus strand). Cytogenetic location: 2q24.3.
Variant type: single nucleotide variant.
Coding change: c.5245C>T on transcript NM_001365536.1 (MANE Select); coding-DNA position 5245, C replaced by T.
Protein change: p.Leu1749=; no amino-acid change (leucine 1749 retained).
Molecular consequence: synonymous variant.
Genome position (GRCh38, 1-based): chr2:166,199,394, G>A on the plus strand (C>T on the coding strand, the complement: SCN9A is on the minus strand). VCF-style: chr2-166199394-G-A. GRCh37 (hg19) VCF-style: chr2-167055904-G-A.
Other names: c.5212C>T, p.Leu1738= (NM_002977.4).
Identifiers: ClinVar variation 706336 (VCV000706336.40), dbSNP rs200636760, ClinGen allele CA1943703.